The following is an entry in ClinVar:

ClinVar aggregate classification (germline): Uncertain significance (1 of 4 stars; one submission).

Conditions:
Congenital contractural arachnodactyly (CCA). Also called: Beals-Hecht syndrome; BEALS SYNDROME; Arthrogryposis, distal, type 9. Identifiers: Orphanet 115, MedGen C0220668, MONDO:0007363, OMIM 121050.

Submission:

Labcorp Genetics (formerly Invitae), Labcorp
Classification: Uncertain significance for Congenital contractural arachnodactyly. Last evaluated: 2024-02-22. Review status: criteria provided, single submitter. Criteria: Invitae Variant Classification Sherloc (09022015). Collection method: clinical testing. Allele origin: germline.
Comment: This sequence change replaces glutamine, which is neutral and polar, with glutamic acid, which is acidic and polar, at codon 165 of the FBN2 protein (p.Gln165Glu). This variant is not present in population databases (gnomAD no frequency). This variant has not been reported in the literature in individuals affected with FBN2-related conditions. Advanced modeling of protein sequence and biophysical properties (such as structural, functional, and spatial information, amino acid conservation, physicochemical variation, residue mobility, and thermodynamic stability) performed at Invitae indicates that this missense variant is not expected to disrupt FBN2 protein function with a negative predictive value of 95%. In summary, the available evidence is currently insufficient to determine the role of this variant in disease. Therefore, it has been classified as a Variant of Uncertain Significance.

NM_001999.4(FBN2):c.493C>G (p.Gln165Glu)

Gene: FBN2 (fibrillin 2; minus strand). Cytogenetic location: 5q23.3.
Variant type: single nucleotide variant.
Coding change: c.493C>G on transcript NM_001999.4 (MANE Select); coding-DNA position 493, C replaced by G.
Protein change: p.Gln165Glu; replaces glutamine 165 with glutamic acid.
Molecular consequence: missense variant.
Genome position (GRCh38, 1-based): chr5:128,527,911, G>C on the plus strand (C>G on the coding strand, the complement: FBN2 is on the minus strand). VCF-style: chr5-128527911-G-C. GRCh37 (hg19) VCF-style: chr5-127863604-G-C.
Other names: short protein forms Q165E.
Identifiers: ClinVar variation 3700900 (VCV003700900.2).